The following is an entry in ClinVar:

ClinVar aggregate classification (germline): Uncertain significance (1 of 4 stars; one submission).

Submission:

CeGaT Center for Human Genetics Tuebingen
Classification: Uncertain significance. Last evaluated: 2026-05-01. Review status: criteria provided, single submitter. Criteria: CeGaT Center For Human Genetics Tuebingen Variant Classification Criteria Version 2. Collection method: clinical testing. Allele origin: germline. Affected: yes. Observed: 1 variant allele.
Comment: TCF20: PM2

NM_001378418.1(TCF20):c.2503A>G (p.Asn835Asp)

Gene: TCF20 (transcription factor 20; minus strand). Cytogenetic location: 22q13.2.
Variant type: single nucleotide variant.
Coding change: c.2503A>G on transcript NM_001378418.1 (MANE Select); coding-DNA position 2503, A replaced by G.
Protein change: p.Asn835Asp; replaces asparagine 835 with aspartic acid.
Molecular consequence: missense variant.
Genome position (GRCh38, 1-based): chr22:42,212,803, T>C on the plus strand (A>G on the coding strand, the complement: TCF20 is on the minus strand). VCF-style: chr22-42212803-T-C. GRCh37 (hg19) VCF-style: chr22-42608809-T-C.
Other names: c.2503A>G, p.Asn835Asp (NM_005650.4, NM_181492.3); short protein forms N835D.
Identifiers: ClinVar variation 4874359 (VCV004874359.2).